The following is an entry in ClinVar:

NM_031885.5(BBS2):c.1064A>T (p.Tyr355Phe)

Gene: BBS2 (Bardet-Biedl syndrome 2; minus strand). Cytogenetic location: 16q13.
Variant type: single nucleotide variant.
Coding change: c.1064A>T on transcript NM_031885.5 (MANE Select); coding-DNA position 1064, A replaced by T.
Protein change: p.Tyr355Phe; replaces tyrosine 355 with phenylalanine.
Molecular consequence: missense variant. On other transcripts: non-coding transcript variant (5).
Genome position (GRCh38, 1-based): chr16:56,502,333, T>A on the plus strand (A>T on the coding strand, the complement: BBS2 is on the minus strand). VCF-style: chr16-56502333-T-A. GRCh37 (hg19) VCF-style: chr16-56536245-T-A.
Other names: c.1064A>T, p.Tyr355Phe (NM_001377456.1); short protein forms Y355F.
Identifiers: ClinVar variation 1492595 (VCV001492595.6), dbSNP rs1477561197, ClinGen allele CA395980423.

ClinVar aggregate classification (germline): Uncertain significance (1 of 4 stars; one submission).

Conditions:
Bardet-Biedl syndrome (BBS). Identifiers: Orphanet 110, MedGen C0752166, MONDO:0015229.

Submission:

Labcorp Genetics (formerly Invitae), Labcorp
Classification: Uncertain significance for Bardet-Biedl syndrome. Last evaluated: 2021-12-07. Review status: criteria provided, single submitter. Criteria: Invitae Variant Classification Sherloc (09022015). Collection method: clinical testing. Allele origin: germline.
Comment: This variant is not present in population databases (gnomAD no frequency). This sequence change replaces tyrosine, which is neutral and polar, with phenylalanine, which is neutral and non-polar, at codon 355 of the BBS2 protein (p.Tyr355Phe). This variant has not been reported in the literature in individuals affected with BBS2-related conditions. Algorithms developed to predict the effect of missense changes on protein structure and function are either unavailable or do not agree on the potential impact of this missense change (SIFT: "Deleterious"; PolyPhen-2: "Possibly Damaging"; Align-GVGD: "Class C15"). In summary, the available evidence is currently insufficient to determine the role of this variant in disease. Therefore, it has been classified as a Variant of Uncertain Significance.